The following is an entry in ClinVar:

NM_000132.4(F8):c.5123G>A (p.Arg1708His)

Gene: F8 (coagulation factor VIII; minus strand). Cytogenetic location: Xq28.
Variant type: single nucleotide variant.
Coding change: c.5123G>A on transcript NM_000132.4 (MANE Select); coding-DNA position 5123, G replaced by A.
Protein change: p.Arg1708His; replaces arginine 1708 with histidine.
Molecular consequence: missense variant.
Genome position (GRCh38, 1-based): chrX:154,928,667, C>T on the plus strand (G>A on the coding strand, the complement: F8 is on the minus strand). VCF-style: chrX-154928667-C-T. GRCh37 (hg19) VCF-style: chrX-154156942-C-T.
Other names: F8, ARG1689HIS; R1689H; short protein forms R1708H.
Identifiers: ClinVar variation 10266 (VCV000010266.34), dbSNP rs111033614, ClinGen allele CA255154.

ClinVar aggregate classification (germline): Pathogenic/Likely pathogenic. Review status: criteria provided, multiple submitters, no conflicts (2 of 4 stars). 8 submissions from 8 submitters: Pathogenic (3); Likely pathogenic (3). 2 of the submissions do not count toward it. Last evaluated 2025-09-15.

Conditions:
F8-related disorder. Also called: F8-related condition.
Hereditary factor VIII deficiency disease (HEMA). Also called: AUTOSOMAL HEMOPHILIA A; HEMOPHILIA, CLASSIC; Hemophilia A; Hemophilia A, congenital; HEM A; Factor 8 deficiency, congenital. Identifiers: Orphanet 98878, MedGen C0019069, MONDO:0010602, OMIM 306700.
Abnormality of coagulation. Identifiers: MedGen C1846821, HP:0001928.

Allele frequency attached by ClinVar (database versions not stated): gnomAD exomes below 0.00001 and 0.00001; TOPMed 0.00005; gnomAD 0.00002.
gnomAD v4.1: 7 of 1,208,069 alleles (0.00058%); highest among the groups gnomAD compares: South Asian, 0.0036%; no homozygotes.

Submissions (8):

Variantyx, Inc.
Classification: Likely pathogenic for Hereditary factor VIII deficiency disease. Last evaluated: 2025-09-15. Review status: criteria provided, single submitter. Criteria: Variantyx Assertion Criteria 2022. Collection method: clinical testing. Allele origin: maternal. Inheritance: X-linked recessive inheritance.
Comment: This is a nonsynonymous variant in the F8 gene (OMIM: 300841). Pathogenic variants in this gene have been associated with X-linked hemophilia A. This variant lies within a a well-established critical functional domain of the F8 protein (PMID: 19473423) (PM1_Strong), and multiple computational algorithms predict a deleterious effect (REVEL score: 0.885) (PP3). This variant has a 0.0036% maximum allele frequency in non-founder control populations (PM2). Based on the current evidence, this variant is classified as likely pathogenic for X-linked hemophilia A.

GeneDx
Classification: Pathogenic. Last evaluated: 2025-09-13. Review status: criteria provided, single submitter. Criteria: GeneDx Variant Classification Process June 2021. Collection method: clinical testing. Allele origin: germline. Affected: yes.
Comment: In silico analysis supports that this missense variant has a deleterious effect on protein structure/function; This variant is associated with the following publications: (PMID: 23711294, 23020595, 19719828, 11179760, 24452774, 26628308, 20331761, 1851341, 8485051, 27734074, 29388750, 1064749, 21707934, 31064749, 36007526, 19473423, 32166871)

ARUP Laboratories, Molecular Genetics and Genomics, ARUP Laboratories
Classification: Pathogenic. Last evaluated: 2023-12-09. Review status: criteria provided, single submitter. Criteria: ARUP Molecular Germline Variant Investigation Process 2024. Collection method: clinical testing. Allele origin: germline.
Comment: The F8 c.5123G>A; p.Arg1708His variant (rs111033614), also known as p.Arg1689His, is reported in the literature in multiple individuals affected with mild hemophilia A (Gebhart 2018, Schwaab 1995, Factor VIII variant database and references therein), including at least one individual in which it arose de novo (Williams 2012). F8 activity in hemizygous individuals with this variant have been measured between 7%-43% of normal (Factor VIII variant database and references therein). This variant is found on only two chromosomes in the Genome Aggregation Database (2/180265 alleles), indicating it is not a common polymorphism. The arginine at codon 1708 is highly conserved, and computational analyses predict that this variant is deleterious (REVEL: 0.885). Additionally, other amino acid substitutions at this codon (p.Arg1708Ser, p.Arg1708Cys, p.Arg1708Leu) have been reported in individuals with hemophilia A and are considered pathogenic (Factor VIII variant database and references therein). Based on available information, the p.Arg1708His variant is considered to be pathogenic. References: Factor VIII variant database: Gebhart J et al. High proportion of patients with bleeding of unknown cause in persons with a mild-to-moderate bleeding tendency: Results from the Vienna Bleeding Biobank (VIBB). Haemophilia. 2018 May;24(3):405-413. PMID: 29388750. Schwaab R et al. Characterization of mutations within the factor VIII gene of 73 unrelated mild and moderate haemophiliacs. Br J Haematol. 1995 Oct;91(2):458-64. PMID: 8547094. Williams VK et al. Investigation of inflicted injury in a young girl reveals mild haemophilia A and Turner's syndrome. Int J Lab Hematol. 2012 Feb;34(1):98-101. PMID: 21707934.

Revvity Omics, Revvity
Classification: Likely pathogenic. Last evaluated: 2022-01-18. Review status: criteria provided, single submitter. Criteria: ACMG Guidelines, 2015. Collection method: clinical testing. Allele origin: germline.

Genetics and Molecular Pathology, SA Pathology
Classification: Likely pathogenic for Hereditary factor VIII deficiency disease. Last evaluated: 2021-07-20. Review status: criteria provided, single submitter. Criteria: ACMG Guidelines, 2015. Collection method: clinical testing. Allele origin: germline. Inheritance: X-linked recessive inheritance. Affected: yes.

NIHR Bioresource Rare Diseases, University of Cambridge
Classification: Pathogenic for Abnormality of coagulation. Last evaluated: 2019-02-01. Review status: criteria provided, single submitter. Criteria: ACMG Guidelines, 2015. Collection method: research. Allele origin: unknown. Affected: yes. Observed: 1 hemizygote. Study: ThromboGenomics.

PreventionGenetics, part of Exact Sciences
Classification: Pathogenic for F8-related condition. Last evaluated: 2023-12-20. Review status: no assertion criteria provided. Collection method: clinical testing. Allele origin: germline. Not counted in ClinVar's aggregate classification.
Comment: The F8 c.5123G>A variant is predicted to result in the amino acid substitution p.Arg1708His. This variant (aka p.Arg1689His) has been reported in multiple individuals with mild hemophilia A or other bleeding disorders (Schwaab et al. 1991. PubMed ID: 1851341; Downes et al. 2019. PubMed ID: 31064749. Suppl3_SNV+INDEL; F8 database). Different missense substitution at this same codon (p.Arg1708Cys; p.Arg1708Ser) have also been reported in patients with hemophilia A (Rydz et al. 2013. PubMed ID: 23913812; Lu et al. 2018. PubMed ID: 29381227) suggesting that amino acid residue p.Arg1708 is important for proper F8 protein function. This variant is reported in 0.0055% of alleles in individuals of South Asian descent in gnomAD. This variant is interpreted as pathogenic.

OMIM
Classification: Pathogenic for HEMOPHILIA A. Last evaluated: 1993-03-01. Review status: no assertion criteria provided. Collection method: literature only. Allele origin: germline. Not counted in ClinVar's aggregate classification.

Literature cited by the submitters: PubMed 19473423 (cited by Variantyx, Inc.); PubMed 31064749 (cited by NIHR Bioresource Rare Diseases, University of Cambridge); PubMed 8485051 (cited by OMIM).